The following is an entry in ClinVar:

ClinVar aggregate classification (germline): Uncertain significance. Review status: criteria provided, multiple submitters, no conflicts (2 of 4 stars). 3 submissions from 3 submitters: Uncertain significance (3). Last evaluated 2025-12-03.

Conditions:
Cortical dysplasia, complex, with other brain malformations 10. Identifiers: MedGen C5231458, MONDO:0032866, OMIM 618677.
Intellectual developmental disorder, autosomal recessive 74 (MRT74). Also called: Sotos syndrome 3. Identifiers: MedGen C4310684, MONDO:0014951, OMIM 617169.
Inborn genetic diseases. Identifiers: MedGen C0950123, MeSH D030342.

gnomAD v4.1: 35 of 1,288,990 alleles (0.0027%); highest among the groups gnomAD compares: African/African-American, 0.045%; no homozygotes.

Submissions (3):

Labcorp Genetics (formerly Invitae), Labcorp
Classification: Uncertain significance. Last evaluated: 2025-12-03. Review status: criteria provided, single submitter. Criteria: Invitae Variant Classification Sherloc (09022015). Collection method: clinical testing. Allele origin: germline.
Comment: This sequence change replaces glycine, which is neutral and non-polar, with arginine, which is basic and polar, at codon 1958 of the APC2 protein (p.Gly1958Arg). This variant is present in population databases (no rsID available, gnomAD 0.06%). This variant has not been reported in the literature in individuals affected with APC2-related conditions. ClinVar contains an entry for this variant (Variation ID: 3412885). Invitae Evidence Modeling of protein sequence and biophysical properties (such as structural, functional, and spatial information, amino acid conservation, physicochemical variation, residue mobility, and thermodynamic stability) indicates that this missense variant is expected to disrupt APC2 protein function with a positive predictive value of 80%. In summary, the available evidence is currently insufficient to determine the role of this variant in disease. Therefore, it has been classified as a Variant of Uncertain Significance.

Ambry Genetics
Classification: Uncertain significance for Inborn genetic diseases. Last evaluated: 2024-09-09. Review status: criteria provided, single submitter. Criteria: Ambry Variant Classification Scheme 2023. Collection method: clinical testing. Allele origin: germline.

Fulgent Genetics
Classification: Uncertain significance for Intellectual developmental disorder, autosomal recessive 74; Cortical dysplasia, complex, with other brain malformations 10. Last evaluated: 2024-03-19. Review status: criteria provided, single submitter. Criteria: ACMG Guidelines, 2015. Collection method: clinical testing. Allele origin: germline.

NM_005883.3(APC2):c.5872G>C (p.Gly1958Arg)

Genes: APC2 (APC regulator of Wnt signaling pathway 2; plus strand), LOC130062956 (ATAC-STARR-seq lymphoblastoid silent region 9718; plus strand). Cytogenetic location: 19p13.3.
Variant type: single nucleotide variant.
Coding change: c.5872G>C on transcript NM_005883.3 (MANE Select); coding-DNA position 5872, G replaced by C.
Protein change: p.Gly1958Arg; replaces glycine 1958 with arginine.
Molecular consequence: missense variant.
Genome position (GRCh38, 1-based): chr19:1,469,173, G>C. VCF-style: chr19-1469173-G-C. GRCh37 (hg19) VCF-style: chr19-1469172-G-C.
Other names: c.5869G>C, p.Gly1957Arg (NM_001351273.1); short protein forms G1957R, G1958R.
Identifiers: ClinVar variation 3412885 (VCV003412885.3).